The following is an entry in ClinVar:

NM_015465.5(GEMIN5):c.1266G>A (p.Trp422Ter)

Gene: GEMIN5 (gem nuclear organelle associated protein 5; minus strand). Cytogenetic location: 5q33.2.
Variant type: single nucleotide variant.
Coding change: c.1266G>A on transcript NM_015465.5 (MANE Select); coding-DNA position 1266, G replaced by A.
Protein change: p.Trp422Ter; replaces tryptophan 422 with a stop codon.
Molecular consequence: nonsense.
Genome position (GRCh38, 1-based): chr5:154,925,889, C>T on the plus strand (G>A on the coding strand, the complement: GEMIN5 is on the minus strand). VCF-style: chr5-154925889-C-T. GRCh37 (hg19) VCF-style: chr5-154305449-C-T.
Other names: c.1263G>A, p.Trp421Ter (NM_001252156.2); short protein forms W422*, W421*.
Identifiers: ClinVar variation 5006862 (VCV005006862.2).
Genomic context (GRCh38, chr5:154,925,889, plus strand): 5'-AGTTCAAAACAAGCTCAAAAAAAGAATCCTTACCGCTGTAACCTTGGACTTCACGCCTTG[C>T]CAAAAATTTTTCACATCATAGTTGTTCTTTATGGAGAGTGTATTCCATACACGGATCATG-3'

ClinVar aggregate classification (germline): Likely pathogenic (1 of 4 stars; one submission).

Conditions:
Neurodevelopmental disorder with cerebellar atrophy and motor dysfunction. Identifiers: MedGen C5543427, MONDO:0859152, OMIM 619333.

Submission:

Juno Genomics, Hangzhou Juno Genomics, Inc
Classification: Likely pathogenic for Neurodevelopmental disorder with cerebellar atrophy and motor dysfunction. Review status: criteria provided, single submitter. Criteria: ACMG Guidelines, 2015. Collection method: clinical testing. Allele origin: germline.
Comment: Null variant in a gene where loss of function (LOF) is a known mechanism of disease.;Absent from controls (or at extremely low frequency if recessive) in Genome Aggregation Database.